The following is an entry in ClinVar:

NM_004715.5(CTDP1):c.2417+4C>T

Gene: CTDP1 (CTD phosphatase subunit 1; plus strand). Cytogenetic location: 18q23.
Variant type: single nucleotide variant.
Coding change: c.2417+4C>T on transcript NM_004715.5 (MANE Select); 4 bases into the intron after coding-DNA position 2417, C replaced by T.
Molecular consequence: intron variant. On other transcripts: genic downstream transcript variant (1).
Genome position (GRCh38, 1-based): chr18:79,718,020, C>T. VCF-style: chr18-79718020-C-T. GRCh37 (hg19) VCF-style: chr18-77478020-C-T.
Other names: c.2417+4C>T (NM_001318511.2, NM_048368.4); c.2060+4C>T (NM_001202504.1).
Identifiers: ClinVar variation 2158247 (VCV002158247.3), dbSNP rs140817872, ClinGen allele CA9010582.
Genomic context (GRCh38, chr18:79,718,020, plus strand): 5'-GGGGCCCCCAGCACCCTCCAGCTCCCTACCCATCCGCCAGGAGCCCTCTTCCTTCAGGTA[C>T]GTGGCGGCCCAGCCACTGTCCCCAGCTAATGAGGGCTCTTCAAGCTTGCTGCTCCAGTCT-3'

ClinVar aggregate classification (germline): Uncertain significance. Review status: criteria provided, multiple submitters, no conflicts (2 of 4 stars). 2 submissions from 2 submitters: Uncertain significance (2). Last evaluated 2025-09-10.

Conditions:
Congenital cataracts-facial dysmorphism-neuropathy syndrome (CCFDN). Also called: CTDP1-Related Congenital Cataracts, Facial Dysmorphism, and Neuropathy; CATARACT, CONGENITAL, WITH FACIAL DYSMORPHISM AND NEUROPATHY. Identifiers: Orphanet 48431, MedGen C1858726, MONDO:0011402, OMIM 604168.

Allele frequency attached by ClinVar (database versions not stated): gnomAD 0.00004; gnomAD exomes 0.00004; ExAC 0.00008; TOPMed 0.00008; ESP Exome Variant Server 0.00015.
gnomAD v4.1: 67 of 1,612,796 alleles (0.0042%); highest among the groups gnomAD compares: Middle Eastern, 0.049%; no homozygotes.

Submissions (2):

Genomic Medicine Center of Excellence, King Faisal Specialist Hospital and Research Centre
Classification: Uncertain significance for Congenital cataracts-facial dysmorphism-neuropathy syndrome. Last evaluated: 2025-09-10. Review status: criteria provided, single submitter. Criteria: ACMG Guidelines, 2015. Collection method: clinical testing. Allele origin: germline.

Labcorp Genetics (formerly Invitae), Labcorp
Classification: Uncertain significance. Last evaluated: 2022-05-27. Review status: criteria provided, single submitter. Criteria: Invitae Variant Classification Sherloc (09022015). Collection method: clinical testing. Allele origin: germline.
Comment: Variants that disrupt the consensus splice site are a relatively common cause of aberrant splicing (PMID: 17576681, 9536098). Algorithms developed to predict the effect of sequence changes on RNA splicing suggest that this variant is not likely to affect RNA splicing. In summary, the available evidence is currently insufficient to determine the role of this variant in disease. Therefore, it has been classified as a Variant of Uncertain Significance. This variant has not been reported in the literature in individuals affected with CTDP1-related conditions. This variant is present in population databases (rs140817872, gnomAD 0.03%). This sequence change falls in intron 10 of the CTDP1 gene. It does not directly change the encoded amino acid sequence of the CTDP1 protein. It affects a nucleotide within the consensus splice site.

Literature cited by the submitters: PubMed 17576681 (cited by Labcorp Genetics (formerly Invitae), Labcorp); PubMed 9536098 (cited by Labcorp Genetics (formerly Invitae), Labcorp).